The following is an entry in ClinVar:

NM_024426.6(WT1):c.398C>A (p.Pro133Gln)

Genes: WT1 (WT1 transcription factor; minus strand), LOC107982234 (WT1/WT1-AS bi-directional promoter region; plus strand). Cytogenetic location: 11p13.
Variant type: single nucleotide variant.
Coding change: c.398C>A on transcript NM_024426.6 (MANE Select); coding-DNA position 398, C replaced by A.
Protein change: p.Pro133Gln; replaces proline 133 with glutamine.
Molecular consequence: missense variant. On other transcripts: non-coding transcript variant (2).
Genome position (GRCh38, 1-based): chr11:32,434,963, G>T on the plus strand (C>A on the coding strand, the complement: WT1 is on the minus strand). VCF-style: chr11-32434963-G-T. GRCh37 (hg19) VCF-style: chr11-32456509-G-T.
Other names: c.383C>A (NM_024426.4); c.398C>A, p.Pro133Gln (NM_000378.6, NM_001407044.1, NM_001407045.1 and 6 more transcripts); c.383C>A, p.Pro128Gln (NM_024425.2); short protein forms P133Q, P128Q.
Identifiers: ClinVar variation 2937351 (VCV002937351.4), dbSNP rs770618081, ClinGen allele CA379965781.
Genomic context (GRCh38, chr11:32,434,963, plus strand): 5'-CCGCCCCAGCTCGGCTCCTGTTTGATGAAGGAGTGAGGCGGCGGCGGCGGGGGTGGCGGC[G>T]GAGCCGGTGGCGGCGCGGGGCCGCCCAACGACCCGTAAGCCGAAGCGCCCGGGGGCGCAA-3'
Protein context (NP_077744.4, residues 123-143): SLGGPAPPPA[Pro133Gln]PPPPPPPPHS

ClinVar aggregate classification (germline): Uncertain significance. Review status: criteria provided, multiple submitters, no conflicts (2 of 4 stars). 2 submissions from 2 submitters: Uncertain significance (2). Last evaluated 2025-06-07.

Conditions:
Frasier syndrome. Identifiers: Orphanet 347, MedGen C0950122, MeSH D052159, MONDO:0007635, OMIM 136680.
Drash syndrome (DDS). Also called: NEPHROPATHY, WILMS TUMOR, AND GENITAL ANOMALIES; WILMS TUMOR AND PSEUDO- OR TRUE HERMAPHRODITISM. Identifiers: Orphanet 220, MedGen C0950121, MONDO:0008682, OMIM 194080.
Wilms tumor 1 (WT1). Also called: Wilms tumor, somatic. Identifiers: Orphanet 654, MedGen CN033288, MONDO:0008679, OMIM 194070.
11p partial monosomy syndrome (WAGR). Also called: CHROMOSOME 11p13 DELETION SYNDROME; WAGR syndrome; WAGR Complex; WAGR Spectrum Disorder. Identifiers: Orphanet 893, MedGen C0206115, MONDO:0008681, OMIM 194072.
Inborn genetic diseases. Identifiers: MedGen C0950123, MeSH D030342.

Submissions (2):

Ambry Genetics
Classification: Uncertain significance for Inborn genetic diseases. Last evaluated: 2025-06-07. Review status: criteria provided, single submitter. Criteria: Ambry Variant Classification Scheme 2023. Collection method: clinical testing. Allele origin: germline.
Comment: The p.P128Q variant (also known as c.383C>A), located in coding exon 1 of the WT1 gene, results from a C to A substitution at nucleotide position 383. The proline at codon 128 is replaced by glutamine, an amino acid with similar properties. This amino acid position is conserved. In addition, this alteration is predicted to be tolerated by in silico analysis. Based on the available evidence, the clinical significance of this variant remains unclear.

Labcorp Genetics (formerly Invitae), Labcorp
Classification: Uncertain significance for Wilms tumor 1; Drash syndrome; 11p partial monosomy syndrome; Frasier syndrome. Last evaluated: 2023-06-04. Review status: criteria provided, single submitter. Criteria: Invitae Variant Classification Sherloc (09022015). Collection method: clinical testing. Allele origin: germline.
Comment: This variant is not present in population databases (gnomAD no frequency). This variant has not been reported in the literature in individuals affected with WT1-related conditions. Advanced modeling of protein sequence and biophysical properties (such as structural, functional, and spatial information, amino acid conservation, physicochemical variation, residue mobility, and thermodynamic stability) has been performed at Invitae for this missense variant, however the output from this modeling did not meet the statistical confidence thresholds required to predict the impact of this variant on WT1 protein function. In summary, the available evidence is currently insufficient to determine the role of this variant in disease. Therefore, it has been classified as a Variant of Uncertain Significance. This sequence change replaces proline, which is neutral and non-polar, with glutamine, which is neutral and polar, at codon 128 of the WT1 protein (p.Pro128Gln).